The following is an entry in ClinVar:

NM_015450.3(POT1):c.691del (p.Arg231fs)

Gene: POT1 (protection of telomeres 1; minus strand). Cytogenetic location: 7q31.33.
Variant type: Deletion.
Coding change: c.691del on transcript NM_015450.3 (MANE Select); coding-DNA position 691, one base deleted (A; older notation c.691delA).
Protein change: p.Arg231fs; shifts the reading frame from arginine 231.
Molecular consequence: frameshift variant. On other transcripts: non-coding transcript variant (3).
Genome position (GRCh38, 1-based): chr7:124,858,968, T deleted on the plus strand (A on the coding strand, the reverse complement: POT1 is on the minus strand); the first of 2 consecutive T bases (chr7:124,858,968-124,858,969); deleting either gives the same sequence. VCF-style (leftmost placement, unchanged base first): chr7-124858967-CT-C. GRCh37 (hg19) VCF-style: chr7-124499021-CT-C.
Other names: c.298del, p.Arg100fs (NM_001042594.2); short protein forms R100fs, R231fs.
Identifiers: ClinVar variation 1756161 (VCV001756161.2), dbSNP rs2485462874, ClinGen allele CA2580076477.

ClinVar aggregate classification (germline): Pathogenic (1 of 4 stars; one submission).

Conditions:
Hereditary cancer-predisposing syndrome. Also called: Neoplastic Syndromes, Hereditary; Tumor predisposition; Hereditary Cancer Syndrome; Hereditary neoplastic syndrome. Identifiers: Orphanet 140162, MedGen C0027672, MeSH D009386, MONDO:0015356.

Submission:

Ambry Genetics
Classification: Pathogenic for Hereditary cancer-predisposing syndrome. Last evaluated: 2021-11-15. Review status: criteria provided, single submitter. Criteria: Ambry Variant Classification Scheme 2023. Collection method: clinical testing. Allele origin: germline.
Comment: The c.691delA pathogenic mutation, located in coding exon 5 of the POT1 gene, results from a deletion of one nucleotide at nucleotide position 691, causing a translational frameshift with a predicted alternate stop codon (p.R231Dfs*3). This variant is considered to be rare based on population cohorts in the Genome Aggregation Database (gnomAD). This alteration is expected to result in loss of function by premature protein truncation or nonsense-mediated mRNA decay. As such, this alteration is interpreted as a disease-causing mutation.